The following is an entry in ClinVar:

ClinVar aggregate classification (germline): Uncertain significance (0 of 4 stars; one submission).

Conditions:
ERBB4-related disorder. Also called: ERBB4-related condition.

Submission:

PreventionGenetics, part of Exact Sciences
Classification: Uncertain significance for ERBB4-related condition. Last evaluated: 2024-01-11. Review status: no assertion criteria provided. Collection method: clinical testing. Allele origin: germline.
Comment: The ERBB4 c.827A>G variant is predicted to result in the amino acid substitution p.Glu276Gly. To our knowledge, this variant has not been reported in the literature or in a large population database, indicating this variant is rare. At this time, the clinical significance of this variant is uncertain due to the absence of conclusive functional and genetic evidence.

NM_005235.3(ERBB4):c.827A>G (p.Glu276Gly)

Gene: ERBB4 (erb-b2 receptor tyrosine kinase 4; minus strand). Cytogenetic location: 2q34.
Variant type: single nucleotide variant.
Coding change: c.827A>G on transcript NM_005235.3 (MANE Select); coding-DNA position 827, A replaced by G.
Protein change: p.Glu276Gly; replaces glutamic acid 276 with glycine.
Molecular consequence: missense variant.
Genome position (GRCh38, 1-based): chr2:211,722,449, T>C on the plus strand (A>G on the coding strand, the complement: ERBB4 is on the minus strand). VCF-style: chr2-211722449-T-C. GRCh37 (hg19) VCF-style: chr2-212587174-T-C.
Other names: c.827A>G, p.Glu276Gly (NM_001042599.2); short protein forms E276G.
Identifiers: ClinVar variation 3047230 (VCV003047230.2), dbSNP rs2470070919, ClinGen allele CA350444308.
Genomic context (GRCh38, chr2:211,722,449, plus strand): 5'-TTACGTGGACATTTCTTGACACAGAATGCTCCATATGTGTACTTTGCATTGAAATTGTGC[T>C]CCAGTTGAAAGGTGGTTGGATTGTAGACAAAGGTTTGGGGACACTGAGTAACACATGCTC-3'
Protein context (NP_005226.1, residues 266-286): FVYNPTTFQL[Glu276Gly]HNFNAKYTYG